The following is an entry in ClinVar:

NM_001378454.1(ALMS1):c.11714T>G (p.Val3905Gly)

Gene: ALMS1 (ALMS1 centrosome and basal body associated protein; plus strand). Cytogenetic location: 2p13.1.
Variant type: single nucleotide variant.
Coding change: c.11714T>G on transcript NM_001378454.1 (MANE Select); coding-DNA position 11714, T replaced by G.
Protein change: p.Val3905Gly; replaces valine 3905 with glycine.
Molecular consequence: missense variant.
Genome position (GRCh38, 1-based): chr2:73,600,723, T>G. VCF-style: chr2-73600723-T-G. GRCh37 (hg19) VCF-style: chr2-73827850-T-G.
Other names: c.11717T>G, p.Val3906Gly (NM_015120.4); short protein forms V3905G, V3906G.
Identifiers: ClinVar variation 4890814 (VCV004890814.1).

ClinVar aggregate classification (germline): Uncertain significance (1 of 4 stars; one submission).

Conditions:
Alstrom syndrome (ALMS). Identifiers: Orphanet 64, MedGen C0268425, MONDO:0008763, OMIM 203800.

Submission:

Helix
Classification: Uncertain significance for Alstrom syndrome. Last evaluated: 2025-09-08. Review status: criteria provided, single submitter. Criteria: ACMG Guidelines, 2015. Collection method: clinical testing. Allele origin: germline. Inheritance: Autosomal recessive inheritance.
Comment: This variant (NM_001378454.1:c.11714T>G p.Val3905Gly) results in the substitution of valine with glycine at codon 3905 in the ALMS1 protein. It is a rare variant that is absent from the large gnomAD population database (v4.1). To our knowledge, this variant has not been reported in individuals with ALMS1-related conditions. In silico prediction from REVEL (PMID: 27666373) suggests that this variant may be benign. In conclusion, since the available evidence is limited, the clinical significance of this variant is unclear at this time. Therefore, it is classified as a Variant of Uncertain Significance.